The following is an entry in ClinVar:

ClinVar aggregate classification (germline): Likely benign. Review status: criteria provided, multiple submitters, no conflicts (2 of 4 stars). 4 submissions from 4 submitters: Likely benign (4). Last evaluated 2025-10-06.

Conditions:
Cardiovascular phenotype. Identifiers: MedGen CN230736.
Catecholaminergic polymorphic ventricular tachycardia 2. Also called: CASQ2-Related Catecholaminergic Polymorphic Ventricular Tachycardia; VENTRICULAR TACHYCARDIA, STRESS-INDUCED POLYMORPHIC 2. Identifiers: Orphanet 3286, MedGen C2677794, MONDO:0012762, OMIM 611938.
Catecholaminergic polymorphic ventricular tachycardia 1. Also called: VENTRICULAR TACHYCARDIA, CATECHOLAMINERGIC POLYMORPHIC, 1, WITH OR WITHOUT ATRIAL DYSFUNCTION AND/OR DILATED CARDIOMYOPATHY; RYR2-Related Catecholaminergic Polymorphic Ventricular Tachycardia; VENTRICULAR TACHYCARDIA, STRESS-INDUCED POLYMORPHIC 1. Identifiers: Orphanet 3286, MedGen C1631597, MONDO:0011484, OMIM 604772.

Allele frequency attached by ClinVar (database versions not stated): gnomAD 0.00002 and 0.00003; TOPMed 0.00002.
gnomAD v4.1: 6 of 1,612,946 alleles (0.00037%); highest among the groups gnomAD compares: Non-Finnish European, 0.00051%; no homozygotes.

Submissions (4):

Labcorp Genetics (formerly Invitae), Labcorp
Classification: Likely benign for Catecholaminergic polymorphic ventricular tachycardia 1. Last evaluated: 2025-10-06. Review status: criteria provided, single submitter. Criteria: Invitae Variant Classification Sherloc (09022015). Collection method: clinical testing. Allele origin: germline.

Genome-Nilou Lab
Classification: Likely benign for Catecholaminergic polymorphic ventricular tachycardia 2. Last evaluated: 2023-04-11. Review status: criteria provided, single submitter. Criteria: ACMG Guidelines, 2015. Collection method: clinical testing. Allele origin: germline. Affected: no.

Ambry Genetics
Classification: Likely benign for Cardiovascular phenotype. Last evaluated: 2022-03-30. Review status: criteria provided, single submitter. Criteria: Ambry Variant Classification Scheme 2023. Collection method: clinical testing. Allele origin: germline.

GeneDx
Classification: Likely benign. Last evaluated: 2017-06-12. Review status: criteria provided, single submitter. Criteria: GeneDx Variant Classification (06012015). Collection method: clinical testing. Allele origin: germline. Affected: yes.
Comment: This variant is considered likely benign or benign based on one or more of the following criteria: it is a conservative change, it occurs at a poorly conserved position in the protein, it is predicted to be benign by multiple in silico algorithms, and/or has population frequency not consistent with disease.

NM_001232.4(CASQ2):c.627G>A (p.Leu209=)

Gene: CASQ2 (calsequestrin 2; minus strand). Cytogenetic location: 1p13.1.
Variant type: single nucleotide variant.
Coding change: c.627G>A on transcript NM_001232.4 (MANE Select); coding-DNA position 627, G replaced by A.
Protein change: p.Leu209=; no amino-acid change (leucine 209 retained).
Molecular consequence: synonymous variant.
Genome position (GRCh38, 1-based): chr1:115,727,102, C>T on the plus strand (G>A on the coding strand, the complement: CASQ2 is on the minus strand). VCF-style: chr1-115727102-C-T. GRCh37 (hg19) VCF-style: chr1-116269723-C-T.
Identifiers: ClinVar variation 510093 (VCV000510093.15), dbSNP rs1291884749, ClinGen allele CA419896000.